The following is an entry in ClinVar:

NM_002206.3(ITGA7):c.530A>G (p.Asp177Gly)

Gene: ITGA7 (integrin subunit alpha 7; minus strand). Cytogenetic location: 12q13.2.
Variant type: single nucleotide variant.
Coding change: c.530A>G on transcript NM_002206.3 (MANE Select); coding-DNA position 530, A replaced by G.
Protein change: p.Asp177Gly; replaces aspartic acid 177 with glycine.
Molecular consequence: missense variant. On other transcripts: 5 prime UTR variant (1).
Genome position (GRCh38, 1-based): chr12:55,701,039, T>C on the plus strand (A>G on the coding strand, the complement: ITGA7 is on the minus strand). VCF-style: chr12-55701039-T-C. GRCh37 (hg19) VCF-style: chr12-56094823-T-C.
Other names: c.530A>G (NM_002206.2); c.530A>G, p.Asp177Gly (NM_001144996.2, NM_001374465.1, NM_001410977.1 and 5 more transcripts); c.239A>G, p.Asp80Gly (NM_001144997.2); c.191A>G, p.Asp64Gly (NM_001367993.1, NM_001414035.1); c.-643A>G (NM_001367994.1); short protein forms D64G, D80G, D177G.
Identifiers: ClinVar variation 1520459 (VCV001520459.4), dbSNP rs1299893092, ClinGen allele CA385192228.
Genomic context (GRCh38, chr12:55,701,039, plus strand): 5'-CAGAACCCAAATTGTTCATGGCCTTGGGGGCGTCCCTCACAGAACTTCCATTCCCCACCA[T>C]CCAACTCATCCCGGATGGCCAGGTCCTGGCTGAGCACAAAGCAGCGACCAATCATATCCC-3'
Protein context (NP_002197.2, residues 167-187): SQDLAIRDEL[Asp177Gly]GGEWKFCEGR

ClinVar aggregate classification (germline): Uncertain significance. Review status: criteria provided, multiple submitters, no conflicts (2 of 4 stars). 2 submissions from 2 submitters: Uncertain significance (2). Last evaluated 2023-11-15.

Conditions:
Congenital muscular dystrophy due to integrin alpha-7 deficiency. Also called: Congenital muscular dystrophy with integrin alpha-7 deficiency; Muscular dystrophy, congenital, due to ITGA7 deficiency; MYOPATHY, CONGENITAL, DUE TO INTEGRIN ALPHA-7 DEFICIENCY. Identifiers: Orphanet 34520, MedGen C2750786, MONDO:0013177, OMIM 613204.

Allele frequency attached by ClinVar (database versions not stated): gnomAD exomes 0.00001; gnomAD 0.00002; TOPMed 0.00004.

Submissions (2):

Ambry Genetics
Classification: Uncertain significance. Last evaluated: 2023-11-15. Review status: criteria provided, single submitter. Criteria: Ambry Variant Classification Scheme 2023. Collection method: clinical testing. Allele origin: germline.

Labcorp Genetics (formerly Invitae), Labcorp
Classification: Uncertain significance for Congenital muscular dystrophy due to integrin alpha-7 deficiency. Last evaluated: 2022-05-14. Review status: criteria provided, single submitter. Criteria: Invitae Variant Classification Sherloc (09022015). Collection method: clinical testing. Allele origin: germline.
Comment: This sequence change replaces aspartic acid, which is acidic and polar, with glycine, which is neutral and non-polar, at codon 177 of the ITGA7 protein (p.Asp177Gly). This variant is present in population databases (no rsID available, gnomAD 0.006%). This variant has not been reported in the literature in individuals affected with ITGA7-related conditions. Algorithms developed to predict the effect of missense changes on protein structure and function are either unavailable or do not agree on the potential impact of this missense change (SIFT: "Tolerated"; PolyPhen-2: "Probably Damaging"; Align-GVGD: "Class C0"). In summary, the available evidence is currently insufficient to determine the role of this variant in disease. Therefore, it has been classified as a Variant of Uncertain Significance.